The following is an entry in ClinVar:

ClinVar aggregate classification (germline): Likely benign. Review status: criteria provided, multiple submitters, no conflicts (2 of 4 stars). 2 submissions from 2 submitters: Likely benign (2). Last evaluated 2026-01-11.

Conditions:
LAMB3-related disorder. Also called: LAMB3-related condition.

Allele frequency attached by ClinVar (database versions not stated): gnomAD 0.00108 and 0.00100; gnomAD exomes 0.00009 and 0.00029; ExAC 0.00029; 1000 Genomes Project 30x 0.00078; 1000 Genomes Project 0.00080; ESP Exome Variant Server 0.00115; TOPMed 0.00124.
gnomAD v4.1: 294 of 1,612,776 alleles (0.018%); highest among the groups gnomAD compares: African/African-American, 0.31%; no homozygotes.

Submissions (2):

Labcorp Genetics (formerly Invitae), Labcorp
Classification: Likely benign. Last evaluated: 2026-01-11. Review status: criteria provided, single submitter. Criteria: Invitae Variant Classification Sherloc (09022015). Collection method: clinical testing. Allele origin: germline.

PreventionGenetics, part of Exact Sciences
Classification: Likely benign for LAMB3-related condition. Last evaluated: 2025-03-04. Review status: criteria provided, single submitter. Criteria: ACMG Guidelines, 2015. Collection method: clinical testing. Allele origin: germline.
Comment: This variant is classified as likely benign based on ACMG/AMP sequence variant interpretation guidelines (Richards et al. 2015 PMID: 25741868, with internal and published modifications).

NM_000228.3(LAMB3):c.1603G>A (p.Asp535Asn)

Gene: LAMB3 (laminin subunit beta 3; minus strand). Cytogenetic location: 1q32.2.
Variant type: single nucleotide variant.
Coding change: c.1603G>A on transcript NM_000228.3 (MANE Select); coding-DNA position 1603, G replaced by A.
Protein change: p.Asp535Asn; replaces aspartic acid 535 with asparagine.
Molecular consequence: missense variant.
Genome position (GRCh38, 1-based): chr1:209,626,021, C>T on the plus strand (G>A on the coding strand, the complement: LAMB3 is on the minus strand). VCF-style: chr1-209626021-C-T. GRCh37 (hg19) VCF-style: chr1-209799366-C-T.
Other names: c.1603G>A, p.Asp535Asn (NM_001017402.2, NM_001127641.1); short protein forms D535N.
Identifiers: ClinVar variation 741044 (VCV000741044.12), dbSNP rs141723352, ClinGen allele CA1375520.